The following is an entry in ClinVar:

ClinVar aggregate classification (germline): Uncertain significance. Review status: criteria provided, multiple submitters, no conflicts (2 of 4 stars). 3 submissions from 3 submitters: Uncertain significance (3). Last evaluated 2026-01-01.

Conditions:
ALPK3-related disorder. Also called: ALPK3-related condition.

Allele frequency attached by ClinVar (database versions not stated): ExAC 0.00001; gnomAD exomes 0.00001 and 0.00002; TOPMed 0.00001; gnomAD 0.00003.
gnomAD v4.1: 16 of 1,612,846 alleles (0.00099%); highest among the groups gnomAD compares: Admixed American, 0.013%; no homozygotes.

Submissions (3):

PreventionGenetics, part of Exact Sciences
Classification: Uncertain significance for ALPK3-related condition. Last evaluated: 2026-01-01. Review status: criteria provided, single submitter. Criteria: ACMG Guidelines, 2015. Collection method: clinical testing. Allele origin: germline.
Comment: The ALPK3 c.1310C>T variant is predicted to result in the amino acid substitution p.Pro437Leu. To our knowledge, this variant has not been reported in the literature. This variant is reported in 0.014% of alleles in individuals of Latino descent in gnomAD. At this time, the clinical significance of this variant is uncertain due to the absence of conclusive functional and genetic evidence.

Labcorp Genetics (formerly Invitae), Labcorp
Classification: Uncertain significance. Last evaluated: 2025-07-23. Review status: criteria provided, single submitter. Criteria: Invitae Variant Classification Sherloc (09022015). Collection method: clinical testing. Allele origin: germline.
Comment: This sequence change replaces proline, which is neutral and non-polar, with leucine, which is neutral and non-polar, at codon 437 of the ALPK3 protein (p.Pro437Leu). This variant is present in population databases (rs774126835, gnomAD 0.01%). This variant has not been reported in the literature in individuals affected with ALPK3-related conditions. ClinVar contains an entry for this variant (Variation ID: 426181). Invitae Evidence Modeling of protein sequence and biophysical properties (such as structural, functional, and spatial information, amino acid conservation, physicochemical variation, residue mobility, and thermodynamic stability) indicates that this missense variant is not expected to disrupt ALPK3 protein function with a negative predictive value of 80%. In summary, the available evidence is currently insufficient to determine the role of this variant in disease. Therefore, it has been classified as a Variant of Uncertain Significance.

GeneDx
Classification: Uncertain significance. Last evaluated: 2017-04-27. Review status: criteria provided, single submitter. Criteria: GeneDx Variant Classification (06012015). Collection method: clinical testing. Allele origin: germline. Affected: yes.
Comment: The P437L variant has not been published as pathogenic or been reported as benign to our knowledge. The P437L variant is not observed at a significant frequency in large population cohorts (Lek et al., 2016; 1000 Genomes Consortium et al., 2015; Exome Variant Server). The P437L variant is a semi-conservative amino acid substitution, which may impact secondary protein structure as these residues differ in some properties. Nevertheless, this substitution occurs at a position that is not conserved across species, and in silico analysis predicts this variant likely does not alter the protein structure/function.

NM_020778.5(ALPK3):c.704C>T (p.Pro235Leu)

Gene: ALPK3 (alpha kinase 3; plus strand). Cytogenetic location: 15q25.3.
Variant type: single nucleotide variant.
Coding change: c.704C>T on transcript NM_020778.5 (MANE Select); coding-DNA position 704, C replaced by T.
Protein change: p.Pro235Leu; replaces proline 235 with leucine.
Molecular consequence: missense variant.
Genome position (GRCh38, 1-based): chr15:84,839,983, C>T. VCF-style: chr15-84839983-C-T. GRCh37 (hg19) VCF-style: chr15-85383214-C-T.
Other names: short protein forms P437L, P235L.
Identifiers: ClinVar variation 426181 (VCV000426181.8), dbSNP rs774126835, ClinGen allele CA7709053.